The following is an entry in ClinVar:

ClinVar aggregate classification (germline): Uncertain significance (1 of 4 stars; one submission).

Conditions:
Hereditary cancer-predisposing syndrome. Also called: Neoplastic Syndromes, Hereditary; Tumor predisposition; Hereditary Cancer Syndrome; Hereditary neoplastic syndrome. Identifiers: Orphanet 140162, MedGen C0027672, MeSH D009386, MONDO:0015356.

gnomAD v4.1: 7 of 1,613,992 alleles (0.00043%); highest among the groups gnomAD compares: Non-Finnish European, 0.00059%; no homozygotes.

Submission:

Ambry Genetics
Classification: Uncertain significance for Hereditary cancer-predisposing syndrome. Last evaluated: 2022-06-01. Review status: criteria provided, single submitter. Criteria: Ambry Variant Classification Scheme 2023. Collection method: clinical testing. Allele origin: germline.
Comment: The p.T279N variant (also known as c.836C>A), located in coding exon 7 of the CDH1 gene, results from a C to A substitution at nucleotide position 836. The threonine at codon 279 is replaced by asparagine, an amino acid with similar properties. This amino acid position is conserved. In addition, this alteration is predicted to be tolerated by in silico analysis. Since supporting evidence is limited at this time, the clinical significance of this alteration remains unclear.

NM_004360.5(CDH1):c.836C>A (p.Thr279Asn)

Gene: CDH1 (cadherin 1; plus strand). Cytogenetic location: 16q22.1.
Variant type: single nucleotide variant.
Coding change: c.836C>A on transcript NM_004360.5 (MANE Select); coding-DNA position 836, C replaced by A.
Protein change: p.Thr279Asn; replaces threonine 279 with asparagine.
Molecular consequence: missense variant. On other transcripts: 5 prime UTR variant (2).
Genome position (GRCh38, 1-based): chr16:68,811,687, C>A. VCF-style: chr16-68811687-C-A. GRCh37 (hg19) VCF-style: chr16-68845590-C-A.
Other names: c.836C>A, p.Thr279Asn (NM_001317184.2); c.-780C>A (NM_001317185.2); c.-984C>A (NM_001317186.2); short protein forms T279N.
Identifiers: ClinVar variation 1763109 (VCV001763109.2), dbSNP rs761269950, ClinGen allele CA396459544.